The following is an entry in ClinVar:

NM_020745.4(AARS2):c.673C>T (p.His225Tyr)

Gene: AARS2 (alanyl-tRNA synthetase 2, mitochondrial; minus strand). Cytogenetic location: 6p21.1.
Variant type: single nucleotide variant.
Coding change: c.673C>T on transcript NM_020745.4 (MANE Select); coding-DNA position 673, C replaced by T.
Protein change: p.His225Tyr; replaces histidine 225 with tyrosine.
Molecular consequence: missense variant.
Genome position (GRCh38, 1-based): chr6:44,311,070, G>A on the plus strand (C>T on the coding strand, the complement: AARS2 is on the minus strand). VCF-style: chr6-44311070-G-A. GRCh37 (hg19) VCF-style: chr6-44278807-G-A.
Other names: c.673C>T (NM_020745.3); short protein forms H225Y.
Identifiers: ClinVar variation 1186644 (VCV001186644.28), dbSNP rs200704447, ClinGen allele CA3834576.

ClinVar aggregate classification (germline): Uncertain significance. Review status: criteria provided, multiple submitters, no conflicts (2 of 4 stars). 3 submissions from 3 submitters: Uncertain significance (3). Last evaluated 2026-03-27.

Conditions:
Cardiovascular phenotype. Identifiers: MedGen CN230736.

Allele frequency attached by ClinVar (database versions not stated): ExAC 0.00002; gnomAD exomes 0.00003 and 0.00011; TOPMed 0.00008; gnomAD 0.00009; ESP Exome Variant Server 0.00015.
gnomAD v4.1: 185 of 1,613,946 alleles (0.011%); highest among the groups gnomAD compares: Non-Finnish European, 0.014%; no homozygotes.

Submissions (3):

Molecular Diagnostic Laboratory for Inherited Cardiovascular Disease, Montreal Heart Institute
Classification: Uncertain significance for Cardiovascular phenotype. Last evaluated: 2026-03-27. Review status: criteria provided, single submitter. Criteria: ACMG Guidelines, 2015. Collection method: clinical testing. Allele origin: germline. Affected: yes.
Comment: PM2

CeGaT Center for Human Genetics Tuebingen
Classification: Uncertain significance. Last evaluated: 2023-09-01. Review status: criteria provided, single submitter. Criteria: CeGaT Center For Human Genetics Tuebingen Variant Classification Criteria Version 2. Collection method: clinical testing. Allele origin: germline. Affected: yes. Observed: 1 variant allele.
Comment: AARS2: PM2

GeneDx
Classification: Uncertain significance. Last evaluated: 2020-07-29. Review status: criteria provided, single submitter. Criteria: GeneDx Variant Classification Process June 2021. Collection method: clinical testing. Allele origin: germline. Affected: yes.
Comment: Not observed at a significant frequency in large population cohorts (Lek et al., 2016); In silico analysis supports that this missense variant has a deleterious effect on protein structure/function; Has not been previously published as pathogenic or benign to our knowledge